The following is an entry in ClinVar:

ClinVar aggregate classification (germline): Uncertain significance. Review status: criteria provided, multiple submitters, no conflicts (2 of 4 stars). 2 submissions from 2 submitters: Uncertain significance (2). Last evaluated 2025-02-20.

Conditions:
Autosomal recessive limb-girdle muscular dystrophy type 2W (MDRCMTT). Also called: Muscular dystrophy, autosomal recessive, with cardiomyopathy and triangular tongue; Muscular dystrophy, limb-girdle, type 2W. Identifiers: MedGen C4225192, MONDO:0014788, OMIM 616827.

Allele frequency attached by ClinVar (database versions not stated): ExAC 0.00002; gnomAD exomes 0.00009; TOPMed 0.00002; gnomAD 0.00002.
gnomAD v4.1: 134 of 1,613,994 alleles (0.0083%); highest among the groups gnomAD compares: Non-Finnish European, 0.011%; no homozygotes.

Submissions (2):

Labcorp Genetics (formerly Invitae), Labcorp
Classification: Uncertain significance for Autosomal recessive limb-girdle muscular dystrophy type 2W. Last evaluated: 2025-02-20. Review status: criteria provided, single submitter. Criteria: Invitae Variant Classification Sherloc (09022015). Collection method: clinical testing. Allele origin: germline.
Comment: This sequence change replaces arginine, which is basic and polar, with histidine, which is basic and polar, at codon 108 of the LIMS2 protein (p.Arg108His). This variant is present in population databases (rs749119945, gnomAD 0.006%). This variant has not been reported in the literature in individuals affected with LIMS2-related conditions. ClinVar contains an entry for this variant (Variation ID: 2373353). Invitae Evidence Modeling of protein sequence and biophysical properties (such as structural, functional, and spatial information, amino acid conservation, physicochemical variation, residue mobility, and thermodynamic stability) has been performed for this missense variant. However, the output from this modeling did not meet the statistical confidence thresholds required to predict the impact of this variant on LIMS2 protein function. In summary, the available evidence is currently insufficient to determine the role of this variant in disease. Therefore, it has been classified as a Variant of Uncertain Significance.

Ambry Genetics
Classification: Uncertain significance. Last evaluated: 2024-08-12. Review status: criteria provided, single submitter. Criteria: Ambry Variant Classification Scheme 2023. Collection method: clinical testing. Allele origin: germline.

NM_001161403.3(LIMS2):c.257G>A (p.Arg86His)

Gene: LIMS2 (LIM zinc finger domain containing 2; minus strand). Cytogenetic location: 2q14.3.
Variant type: single nucleotide variant.
Coding change: c.257G>A on transcript NM_001161403.3 (MANE Select); coding-DNA position 257, G replaced by A.
Protein change: p.Arg86His; replaces arginine 86 with histidine.
Molecular consequence: missense variant.
Genome position (GRCh38, 1-based): chr2:127,654,526, C>T on the plus strand (G>A on the coding strand, the complement: LIMS2 is on the minus strand). VCF-style: chr2-127654526-C-T. GRCh37 (hg19) VCF-style: chr2-128412100-C-T.
Other names: c.323G>A, p.Arg108His (NM_001136037.4); c.242G>A, p.Arg81His (NM_001161404.2); c.329G>A, p.Arg110His (NM_017980.5); short protein forms R110H, R86H, R108H, R81H.
Identifiers: ClinVar variation 2373353 (VCV002373353.5), dbSNP rs749119945, ClinGen allele CA1863470.